The following is an entry in ClinVar:

NM_002471.4(MYH6):c.2946G>T (p.Glu982Asp)

Gene: MYH6 (myosin heavy chain 6; minus strand). Cytogenetic location: 14q11.2.
Variant type: single nucleotide variant.
Coding change: c.2946G>T on transcript NM_002471.4 (MANE Select); coding-DNA position 2946, G replaced by T.
Protein change: p.Glu982Asp; replaces glutamic acid 982 with aspartic acid.
Molecular consequence: missense variant.
Genome position (GRCh38, 1-based): chr14:23,393,501, C>A on the plus strand (G>T on the coding strand, the complement: MYH6 is on the minus strand). VCF-style: chr14-23393501-C-A. GRCh37 (hg19) VCF-style: chr14-23862710-C-A.
Other names: short protein forms E982D.
Identifiers: ClinVar variation 4752615 (VCV004752615.2).

ClinVar aggregate classification (germline): Uncertain significance. Review status: criteria provided, multiple submitters, no conflicts (2 of 4 stars). 2 submissions from 2 submitters: Uncertain significance (2). Last evaluated 2026-04-23.

Conditions:
Hypertrophic cardiomyopathy 14. Identifiers: MedGen C2750467, MONDO:0013197, OMIM 613251.
Cardiovascular phenotype. Identifiers: MedGen CN230736.

Submissions (2):

Ambry Genetics
Classification: Uncertain significance for Cardiovascular phenotype. Last evaluated: 2026-04-23. Review status: criteria provided, single submitter. Criteria: Ambry Variant Classification Scheme 2023. Collection method: clinical testing. Allele origin: germline.
Comment: The p.E982D variant (also known as c.2946G>T), located in coding exon 21 of the MYH6 gene, results from a G to T substitution at nucleotide position 2946. The glutamic acid at codon 982 is replaced by aspartic acid, an amino acid with highly similar properties. This amino acid position is conserved. In addition, this alteration is predicted to be tolerated by in silico analysis. Based on the available evidence, the clinical significance of this variant remains unclear.

Labcorp Genetics (formerly Invitae), Labcorp
Classification: Uncertain significance for Hypertrophic cardiomyopathy 14. Last evaluated: 2025-06-18. Review status: criteria provided, single submitter. Criteria: Invitae Variant Classification Sherloc (09022015). Collection method: clinical testing. Allele origin: germline.
Comment: This sequence change replaces glutamic acid, which is acidic and polar, with aspartic acid, which is acidic and polar, at codon 982 of the MYH6 protein (p.Glu982Asp). This variant is not present in population databases (gnomAD no frequency). This variant has not been reported in the literature in individuals affected with MYH6-related conditions. An algorithm developed to predict the effect of missense changes on protein structure and function (PolyPhen-2) suggests that this variant is likely to be disruptive. In summary, the available evidence is currently insufficient to determine the role of this variant in disease. Therefore, it has been classified as a Variant of Uncertain Significance.